The following is an entry in ClinVar:

ClinVar aggregate classification (germline): Uncertain significance. Review status: criteria provided, multiple submitters, no conflicts (2 of 4 stars). 2 submissions from 2 submitters: Uncertain significance (2). Last evaluated 2025-07-31.

Conditions:
Combined immunodeficiency due to STIM1 deficiency. Also called: IMMUNODEFICIENCY 10; STIM1 DEFICIENCY. Identifiers: Orphanet 169090, Orphanet 317430, MedGen C2748557, MONDO:0013008, OMIM 612783.
Myopathy with tubular aggregates (TAM). Also called: Tubular Aggregate Myopathy. Identifiers: Orphanet 2593, MedGen C0410207, MONDO:0008051.
Stormorken syndrome (STRMK). Also called: THROMBOCYTOPATHY, ASPLENIA, AND MIOSIS. Identifiers: Orphanet 3204, MedGen C1861451, MONDO:0008497, OMIM 185070.

Submissions (2):

GeneDx
Classification: Uncertain significance. Last evaluated: 2025-07-31. Review status: criteria provided, single submitter. Criteria: GeneDx Variant Classification Process June 2021. Collection method: clinical testing. Allele origin: germline. Affected: yes.
Comment: Not observed at significant frequency in large population cohorts (gnomAD); In silico analysis suggests that this missense variant does not alter protein structure/function; Has not been previously published as pathogenic or benign to our knowledge

Labcorp Genetics (formerly Invitae), Labcorp
Classification: Uncertain significance for Myopathy with tubular aggregates; Combined immunodeficiency due to STIM1 deficiency; Stormorken syndrome. Last evaluated: 2025-05-07. Review status: criteria provided, single submitter. Criteria: Invitae Variant Classification Sherloc (09022015). Collection method: clinical testing. Allele origin: germline.
Comment: This sequence change replaces glycine, which is neutral and non-polar, with serine, which is neutral and polar, at codon 662 of the STIM1 protein (p.Gly662Ser). This variant is not present in population databases (gnomAD no frequency). This variant has not been reported in the literature in individuals affected with STIM1-related conditions. An algorithm developed to predict the effect of missense changes on protein structure and function outputs the following: PolyPhen-2: "Probably Damaging". The serine amino acid residue is found in multiple mammalian species, which suggests that this missense change does not adversely affect protein function. In summary, the available evidence is currently insufficient to determine the role of this variant in disease. Therefore, it has been classified as a Variant of Uncertain Significance.

NM_001382567.1(STIM1):c.2077G>A (p.Gly693Ser)

Genes: STIM1 (stromal interaction molecule 1; plus strand), LOC124418421 (Sharpr-MPRA regulatory region 9588; plus strand). Cytogenetic location: 11p15.4.
Variant type: single nucleotide variant.
Coding change: c.2077G>A on transcript NM_001382567.1 (MANE Select); coding-DNA position 2077, G replaced by A.
Protein change: p.Gly693Ser; replaces glycine 693 with serine.
Molecular consequence: missense variant. On other transcripts: non-coding transcript variant (3), 3 prime UTR variant (4).
Genome position (GRCh38, 1-based): chr11:4,091,724, G>A. VCF-style: chr11-4091724-G-A. GRCh37 (hg19) VCF-style: chr11-4112954-G-A.
Other names: c.1984G>A, p.Gly662Ser (NM_003156.4); c.1849G>A, p.Gly617Ser (NM_001382569.1); c.1756G>A, p.Gly586Ser (NM_001382570.1); c.1504G>A, p.Gly502Ser (NM_001382571.1); c.1762G>A, p.Gly588Ser (NM_001382575.1, NM_001382576.1, NM_001382577.1); c.*398G>A (NM_001382578.1, NM_001382579.1, NM_001382580.1 and 1 more transcripts); c.1495G>A, p.Gly499Ser (NM_001382581.1); c.2302G>A, p.Gly768Ser (NM_001277961.3); and 2 more; short protein forms G499S, G502S, G586S, G588S, G617S, G662S, G669S, G693S.
Identifiers: ClinVar variation 4690157 (VCV004690157.2).